The following is an entry in ClinVar:

NM_000229.2(LCAT):c.1191C>T (p.His397=)

Gene: LCAT (lecithin-cholesterol acyltransferase; minus strand). Cytogenetic location: 16q22.1.
Variant type: single nucleotide variant.
Coding change: c.1191C>T on transcript NM_000229.2 (MANE Select); coding-DNA position 1191, C replaced by T.
Protein change: p.His397=; no amino-acid change (histidine 397 retained).
Molecular consequence: synonymous variant.
Genome position (GRCh38, 1-based): chr16:67,940,036, G>A on the plus strand (C>T on the coding strand, the complement: LCAT is on the minus strand). VCF-style: chr16-67940036-G-A. GRCh37 (hg19) VCF-style: chr16-67973939-G-A.
Identifiers: ClinVar variation 1745003 (VCV001745003.5), dbSNP rs202010908, ClinGen allele CA8120870.

ClinVar aggregate classification (germline): Likely benign. Review status: criteria provided, multiple submitters, no conflicts (2 of 4 stars). 3 submissions from 3 submitters: Likely benign (2). 1 of the submissions does not count toward it. Last evaluated 2025-04-11.

Conditions:
LCAT-related disorder. Also called: LCAT-related condition.
Cardiovascular phenotype. Identifiers: MedGen CN230736.

Allele frequency attached by ClinVar (database versions not stated): gnomAD 0.00003; TOPMed 0.00003; gnomAD exomes 0.00004; ESP Exome Variant Server 0.00008; ExAC 0.00012; 1000 Genomes Project 30x 0.00016; 1000 Genomes Project 0.00020.
gnomAD v4.1: 62 of 1,613,570 alleles (0.0038%); highest among the groups gnomAD compares: African/African-American, 0.0053%; no homozygotes.

Submissions (3):

Labcorp Genetics (formerly Invitae), Labcorp
Classification: Likely benign. Last evaluated: 2025-04-11. Review status: criteria provided, single submitter. Criteria: Invitae Variant Classification Sherloc (09022015). Collection method: clinical testing. Allele origin: germline.

Ambry Genetics
Classification: Likely benign for Cardiovascular phenotype. Last evaluated: 2020-11-19. Review status: criteria provided, single submitter. Criteria: Ambry Variant Classification Scheme 2023. Collection method: clinical testing. Allele origin: germline.

PreventionGenetics, part of Exact Sciences
Classification: Likely benign for LCAT-related condition. Last evaluated: 2019-07-31. Review status: no assertion criteria provided. Collection method: clinical testing. Allele origin: germline. Not counted in ClinVar's aggregate classification.
Comment: This variant is classified as likely benign based on ACMG/AMP sequence variant interpretation guidelines (Richards et al. 2015 PMID: 25741868, with internal and published modifications).